The following is an entry in ClinVar:

NM_022356.4(P3H1):c.1473T>C (p.Asn491=)

Gene: P3H1 (prolyl 3-hydroxylase 1; minus strand). Cytogenetic location: 1p34.2.
Variant type: single nucleotide variant.
Coding change: c.1473T>C on transcript NM_022356.4 (MANE Select); coding-DNA position 1473, T replaced by C.
Protein change: p.Asn491=; no amino-acid change (asparagine 491 retained).
Molecular consequence: synonymous variant.
Genome position (GRCh38, 1-based): chr1:42,752,537, A>G on the plus strand (T>C on the coding strand, the complement: P3H1 is on the minus strand). VCF-style: chr1-42752537-A-G. GRCh37 (hg19) VCF-style: chr1-43218208-A-G.
Other names: c.1473T>C, p.Asn491= (NM_001146289.2, NM_001243246.2).
Identifiers: ClinVar variation 2178211 (VCV002178211.4), dbSNP rs1652167769, ClinGen allele CA417392498.

ClinVar aggregate classification (germline): Uncertain significance (1 of 4 stars; one submission).

Conditions:
Osteogenesis imperfecta type 8 (OI8). Identifiers: MedGen C1970458, MONDO:0012581, OMIM 610915.

Allele frequency attached by ClinVar (database versions not stated): TOPMed below 0.00001; gnomAD 0.00001.
gnomAD v4.1: 1 of 1,613,954 alleles (0.000062%); highest among the groups gnomAD compares: Non-Finnish European, 0.000085%; no homozygotes.

Submission:

Labcorp Genetics (formerly Invitae), Labcorp
Classification: Uncertain significance for Osteogenesis imperfecta type 8. Last evaluated: 2022-05-10. Review status: criteria provided, single submitter. Criteria: Invitae Variant Classification Sherloc (09022015). Collection method: clinical testing. Allele origin: germline.
Comment: In summary, the available evidence is currently insufficient to determine the role of this variant in disease. Therefore, it has been classified as a Variant of Uncertain Significance. Algorithms developed to predict the effect of sequence changes on RNA splicing suggest that this variant is not likely to affect RNA splicing. This variant has not been reported in the literature in individuals affected with P3H1-related conditions. This variant is not present in population databases (gnomAD no frequency). This sequence change affects codon 491 of the P3H1 mRNA. It is a 'silent' change, meaning that it does not change the encoded amino acid sequence of the P3H1 protein. It affects a nucleotide within the consensus splice site.